The following is an entry in ClinVar:

ClinVar aggregate classification (germline): Uncertain significance. Review status: criteria provided, multiple submitters, no conflicts (2 of 4 stars). 5 submissions from 5 submitters: Uncertain significance (4). 1 of the submissions does not count toward it. Last evaluated 2023-04-11.

Conditions:
Glycogen storage disease type III (GSD3). Also called: Cori disease; FORBES DISEASE. Identifiers: Orphanet 366, MedGen C0017922, MONDO:0009291, OMIM 232400.
Inborn genetic diseases. Identifiers: MedGen C0950123, MeSH D030342.

Allele frequency attached by ClinVar (database versions not stated): gnomAD 0.00002; ExAC 0.00003; gnomAD exomes 0.00003 and 0.00004; TOPMed 0.00003.
gnomAD v4.1: 68 of 1,613,502 alleles (0.0042%); highest among the groups gnomAD compares: East Asian, 0.0067%; no homozygotes.

Submissions (5):

Genome-Nilou Lab
Classification: Uncertain significance for Glycogen storage disease type III. Last evaluated: 2023-04-11. Review status: criteria provided, single submitter. Criteria: ACMG Guidelines, 2015. Collection method: clinical testing. Allele origin: germline. Affected: no.

Ambry Genetics
Classification: Uncertain significance for Inborn genetic diseases. Last evaluated: 2022-09-15. Review status: criteria provided, single submitter. Criteria: Ambry Variant Classification Scheme 2023. Collection method: clinical testing. Allele origin: germline.

Labcorp Genetics (formerly Invitae), Labcorp
Classification: Uncertain significance for Glycogen storage disease type III. Last evaluated: 2022-06-14. Review status: criteria provided, single submitter. Criteria: Invitae Variant Classification Sherloc (09022015). Collection method: clinical testing. Allele origin: germline.
Comment: This sequence change replaces arginine, which is basic and polar, with cysteine, which is neutral and slightly polar, at codon 1097 of the AGL protein (p.Arg1097Cys). This variant is present in population databases (rs768133891, gnomAD 0.007%). This variant has not been reported in the literature in individuals affected with AGL-related conditions. ClinVar contains an entry for this variant (Variation ID: 972279). Algorithms developed to predict the effect of missense changes on protein structure and function are either unavailable or do not agree on the potential impact of this missense change (SIFT: "Deleterious"; PolyPhen-2: "Probably Damaging"; Align-GVGD: "Class C0"). In summary, the available evidence is currently insufficient to determine the role of this variant in disease. Therefore, it has been classified as a Variant of Uncertain Significance.

Fulgent Genetics
Classification: Uncertain significance for Glycogen storage disease type III. Last evaluated: 2021-12-29. Review status: criteria provided, single submitter. Criteria: ACMG Guidelines, 2015. Collection method: clinical testing. Allele origin: unknown.

Natera, Inc.
Classification: Uncertain significance for Glycogen storage disease type III. Last evaluated: 2020-02-13. Review status: no assertion criteria provided. Collection method: clinical testing. Allele origin: germline. Not counted in ClinVar's aggregate classification.

NM_000642.3(AGL):c.3289C>T (p.Arg1097Cys)

Gene: AGL (amylo-alpha-1,6-glucosidase and 4-alpha-glucanotransferase; plus strand). Cytogenetic location: 1p21.2.
Variant type: single nucleotide variant.
Coding change: c.3289C>T on transcript NM_000642.3 (MANE Select); coding-DNA position 3289, C replaced by T.
Protein change: p.Arg1097Cys; replaces arginine 1097 with cysteine.
Molecular consequence: missense variant.
Genome position (GRCh38, 1-based): chr1:99,896,315, C>T. VCF-style: chr1-99896315-C-T. GRCh37 (hg19) VCF-style: chr1-100361871-C-T.
Other names: c.3289C>T, p.Arg1097Cys (NM_000028.3, NM_000643.3, NM_000644.3 and 1 more transcripts); c.3241C>T, p.Arg1081Cys (NM_000646.3); c.3268C>T, p.Arg1090Cys (NM_001425326.1); c.3088C>T, p.Arg1030Cys (NM_001425327.1); c.3085C>T, p.Arg1029Cys (NM_001425328.1); c.2950C>T, p.Arg984Cys (NM_001425329.1); c.2911C>T, p.Arg971Cys (NM_001425332.1); short protein forms R1081C, R1097C, R1029C, R1030C, R1090C, R971C, R984C.
Identifiers: ClinVar variation 972279 (VCV000972279.12), dbSNP rs768133891, ClinGen allele CA967042.